The following is an entry in ClinVar:

NM_001115016.3(KANSL3):c.2128T>G (p.Ser710Ala)

Gene: KANSL3 (KAT8 regulatory NSL complex subunit 3; minus strand). Cytogenetic location: 2q11.2.
Variant type: single nucleotide variant.
Coding change: c.2128T>G on transcript NM_001115016.3 (MANE Select); coding-DNA position 2128, T replaced by G.
Protein change: p.Ser710Ala; replaces serine 710 with alanine.
Molecular consequence: missense variant. On other transcripts: non-coding transcript variant (11).
Genome position (GRCh38, 1-based): chr2:96,604,271, A>C on the plus strand (T>G on the coding strand, the complement: KANSL3 is on the minus strand). VCF-style: chr2-96604271-A-C. GRCh37 (hg19) VCF-style: chr2-97270008-A-C.
Other names: c.2206T>G, p.Ser736Ala (NM_001349256.2, NM_001349257.2); c.2200T>G, p.Ser734Ala (NM_001349258.2); c.1945T>G, p.Ser649Ala (NM_001349259.2); c.1573T>G, p.Ser525Ala (NM_001349260.2); c.1522T>G, p.Ser508Ala (NM_001349261.2, NM_001349262.2); short protein forms S508A, S525A, S649A, S710A, S734A, S736A.
Identifiers: ClinVar variation 2651146 (VCV002651146.24), dbSNP rs116798525, ClinGen allele CA1781122.

ClinVar aggregate classification (germline): Likely benign (1 of 4 stars; one submission).

Allele frequency attached by ClinVar (database versions not stated): 1000 Genomes Project 30x 0.00344; 1000 Genomes Project 0.00359; TOPMed 0.00627; gnomAD 0.00649; ESP Exome Variant Server 0.00705; ExAC 0.00763; gnomAD exomes 0.00832.
gnomAD v4.1: 13,111 of 1,609,264 alleles (0.81%); highest among the groups gnomAD compares: Middle Eastern, 1.5%; 105 homozygotes.

Submission:

CeGaT Center for Human Genetics Tuebingen
Classification: Likely benign. Last evaluated: 2023-09-01. Review status: criteria provided, single submitter. Criteria: CeGaT Center For Human Genetics Tuebingen Variant Classification Criteria Version 2. Collection method: clinical testing. Allele origin: germline. Affected: yes. Observed: 1 variant allele.
Comment: KANSL3: BP4, BS2